The following is an entry in ClinVar:

NM_002294.3(LAMP2):c.864+1G>T

Gene: LAMP2 (lysosome associated membrane protein 2; minus strand). Cytogenetic location: Xq24.
Variant type: single nucleotide variant.
Coding change: c.864+1G>T on transcript NM_002294.3 (MANE Select); the canonical splice donor site of the intron after coding-DNA position 864, G replaced by T.
Molecular consequence: splice donor variant.
Genome position (GRCh38, 1-based): chrX:120,446,304, C>A on the plus strand (G>T on the coding strand, the complement: LAMP2 is on the minus strand). VCF-style: chrX-120446304-C-A. GRCh37 (hg19) VCF-style: chrX-119580159-C-A.
Other names: c.864+1G>T (NM_001122606.1, NM_013995.2).
Identifiers: ClinVar variation 163813 (VCV000163813.8), dbSNP rs727503119, ClinGen allele CA176520.
Genomic context (GRCh38, chrX:120,446,304, plus strand): 5'-TTTAGACTTTCAGATGTGTTTCTAAGAGAATGAACCTAACTTTAAAAAATCTGTTACTCA[C>A]CACAGCAAAGACAAAGTCTAGATACTTAATGGTGCTGCTATTGAGTCTAAGTAGAGCAGT-3'

ClinVar aggregate classification (germline): Pathogenic/Likely pathogenic. Review status: criteria provided, multiple submitters, no conflicts (2 of 4 stars). 2 submissions from 2 submitters: Pathogenic (1); Likely pathogenic (1). Last evaluated 2026-09-01.

Conditions:
Danon disease. Also called: ANTOPOL DISEASE; GSD IIb; LYSOSOMAL GLYCOGEN STORAGE DISEASE WITHOUT ACID MALTASE DEFICIENCY; Glycogen Storage Disease Type IIb; PSEUDOGLYCOGENOSIS II. Identifiers: Orphanet 34587, MedGen C0878677, MONDO:0010281, OMIM 300257.

Submissions (2):

GeneDx
Classification: Likely pathogenic. Last evaluated: 2026-09-01. Review status: criteria provided, single submitter. Criteria: GeneDx Variant Classification Process June 2021. Collection method: clinical testing. Allele origin: germline.
Comment: Canonical splice site variant predicted to result in an in-frame loss of the adjacent exon in a gene for which loss of function is a known mechanism of disease; Not observed at significant frequency in large population cohorts (gnomAD); This variant is associated with the following publications: (PMID: 25611685, 27532257, 41664896)

Laboratory for Molecular Medicine, Mass General Brigham Personalized Medicine
Classification: Pathogenic for Danon disease. Last evaluated: 2013-10-08. Review status: criteria provided, single submitter. Criteria: LMM Criteria. Collection method: clinical testing. Allele origin: germline. Inheritance: X-linked inheritance. Observed: 1 variant allele.
Comment: This variant occurs i n the invariant region (+/- 1,2) of the splice consensus sequence and is predict ed to cause altered splicing leading to an abnormal or absent protein. Loss of f unction of the LAMP2 gene is associated with Danon disease, an X-linked glycogen storage disease that includes cardiomyopathy (HCM and DCM) and skeletal myopath y (Boucek 2011). In summary, this variant meets our criteria to be classified as pathogenic based upon predicted impact of the v ariant.